The following is an entry in ClinVar:

NM_007194.4(CHEK2):c.960A>G (p.Lys320=)

Gene: CHEK2 (checkpoint kinase 2; minus strand). Cytogenetic location: 22q12.1.
Variant type: single nucleotide variant.
Coding change: c.960A>G on transcript NM_007194.4 (MANE Select); coding-DNA position 960, A replaced by G.
Protein change: p.Lys320=; no amino-acid change (lysine 320 retained).
Molecular consequence: synonymous variant.
Genome position (GRCh38, 1-based): chr22:28,699,886, T>C on the plus strand (A>G on the coding strand, the complement: CHEK2 is on the minus strand). VCF-style: chr22-28699886-T-C. GRCh37 (hg19) VCF-style: chr22-29095874-T-C.
Other names: c.1089A>G, p.Lys363= (NM_001005735.3); c.297A>G, p.Lys99= (NM_001257387.3); c.759A>G, p.Lys253= (NM_001349956.3); c.960A>G, p.Lys320= (NM_145862.3).
Identifiers: ClinVar variation 766476 (VCV000766476.13), dbSNP rs1237880782, ClinGen allele CA513945033.

ClinVar aggregate classification (germline): Benign/Likely benign. Review status: criteria provided, multiple submitters, no conflicts (2 of 4 stars). 3 submissions from 3 submitters: Benign (1); Likely benign (2). Last evaluated 2024-10-04.

Conditions:
Familial cancer of breast. Also called: BREAST CANCER, FAMILIAL; hereditary breast carcinoma; Hereditary breast cancer. Identifiers: Orphanet 227535, MedGen C0346153, MONDO:0016419, OMIM 114480. Disease mechanism: loss of function.
Hereditary cancer-predisposing syndrome. Also called: Tumor predisposition; Neoplastic Syndromes, Hereditary; Hereditary Cancer Syndrome; Hereditary neoplastic syndrome. Identifiers: Orphanet 140162, MedGen C0027672, MeSH D009386, MONDO:0015356.

Submissions (3):

Myriad Genetics, Inc.
Classification: Benign for Familial cancer of breast. Last evaluated: 2024-10-04. Review status: criteria provided, single submitter. Criteria: Myriad Autosomal Dominant, Autosomal Recessive and X-Linked Classification Criteria (2023). Collection method: clinical testing. Allele origin: unknown.
Comment: This variant is considered benign. This variant is a silent/synonymous amino acid change and it is not expected to impact splicing.

Labcorp Genetics (formerly Invitae), Labcorp
Classification: Likely benign for Familial cancer of breast. Last evaluated: 2022-11-17. Review status: criteria provided, single submitter. Criteria: Invitae Variant Classification Sherloc (09022015). Collection method: clinical testing. Allele origin: germline.

Ambry Genetics
Classification: Likely benign for Hereditary cancer-predisposing syndrome. Last evaluated: 2020-03-16. Review status: criteria provided, single submitter. Criteria: Ambry Variant Classification Scheme 2023. Collection method: clinical testing. Allele origin: germline.